The following is an entry in ClinVar:

NM_014625.4(NPHS2):c.888_920dup (p.Arg306_Met307insIleAlaGluLysAlaAlaSerGluSerLeuArg)

Genes: AXDND1 (axonemal dynein light chain domain containing 1; plus strand), NPHS2 (NPHS2 stomatin family member, podocin; minus strand). Cytogenetic location: 1q25.2.
Variant type: Duplication.
Coding change: c.888_920dup on transcript NM_014625.4 (MANE Select); coding-DNA positions 888 to 920, 33 bases duplicated.
Protein change: p.Arg306_Met307insIleAlaGluLysAlaAlaSerGluSerLeuArg.
Molecular consequence: inframe insertion. On other transcripts: intron variant (1).
Genome position (GRCh38, 1-based): chr1:179,551,405-179,551,437, 33 bases duplicated. GRCh37 (hg19): chr1:179,520,540-179,520,572.
Other names: c.684_716dup, p.Arg238_Met239insIleAlaGluLysAlaAlaSerGluSerLeuArg (NM_001297575.2); c.3032-3107_3032-3075dup (NM_144696.6).
Identifiers: ClinVar variation 5004805 (VCV005004805.1).

ClinVar aggregate classification (germline): Uncertain significance (1 of 4 stars; one submission).

Conditions:
Nephrotic syndrome, type 2 (NPHS2). Also called: NEPHROTIC SYNDROME, STEROID-RESISTANT, AUTOSOMAL RECESSIVE. Identifiers: Orphanet 656, MedGen C1868672, MONDO:0010974, OMIM 600995.

Submission:

Myriad Genetics, Inc.
Classification: Uncertain significance for Nephrotic syndrome, type 2. Last evaluated: 2026-07-22. Review status: criteria provided, single submitter. Criteria: Myriad Autosomal Dominant, Autosomal Recessive and X-Linked Classification Criteria (2023). Collection method: clinical testing. Allele origin: unknown.
Comment: NM_014625.2(NPHS2):c.888_920dup33(R306_M307insIAEKAASESLR) is an in-frame insertion classified as a variant of uncertain significance in the context of nephrotic syndrome, NPHS2-related. R306_M307insIAEKAASESLR has not been observed in cases with relevant disease. Relevant functional assessments of this variant are not available in the literature. R306_M307insIAEKAASESLR has not been observed in referenced population frequency databases. In summary, there is insufficient evidence to classify NM_014625.2(NPHS2):c.888_920dup33(R306_M307insIAEKAASESLR) as pathogenic or benign. Please note: this variant was assessed in the context of healthy population screening.